The following is an entry in ClinVar:

NM_000292.3(PHKA2):c.2373G>T (p.Trp791Cys)

Gene: PHKA2 (phosphorylase kinase regulatory subunit alpha 2; minus strand). Cytogenetic location: Xp22.13.
Variant type: single nucleotide variant.
Coding change: c.2373G>T on transcript NM_000292.3 (MANE Select); coding-DNA position 2373, G replaced by T.
Protein change: p.Trp791Cys; replaces tryptophan 791 with cysteine.
Molecular consequence: missense variant.
Genome position (GRCh38, 1-based): chrX:18,908,044, C>A on the plus strand (G>T on the coding strand, the complement: PHKA2 is on the minus strand). VCF-style: chrX-18908044-C-A. GRCh37 (hg19) VCF-style: chrX-18926162-C-A.
Other names: short protein forms W791C.
Identifiers: ClinVar variation 3665673 (VCV003665673.2).

ClinVar aggregate classification (germline): Uncertain significance (1 of 4 stars; one submission).

Conditions:
Glycogen storage disease IXa1. Also called: LIVER GLYCOGENOSIS, X-LINKED, TYPE I; GLYCOGEN STORAGE DISEASE VIII; GSD VIII; Glycogen storage disease 8. Identifiers: Orphanet 264580, MedGen C3694531, MONDO:0010598, OMIM 306000.

Submission:

Labcorp Genetics (formerly Invitae), Labcorp
Classification: Uncertain significance for Glycogen storage disease IXa1. Last evaluated: 2024-11-30. Review status: criteria provided, single submitter. Criteria: Invitae Variant Classification Sherloc (09022015). Collection method: clinical testing. Allele origin: germline.
Comment: This sequence change replaces tryptophan, which is neutral and slightly polar, with cysteine, which is neutral and slightly polar, at codon 791 of the PHKA2 protein (p.Trp791Cys). This variant is not present in population databases (gnomAD no frequency). This variant has not been reported in the literature in individuals affected with PHKA2-related conditions. Invitae Evidence Modeling of protein sequence and biophysical properties (such as structural, functional, and spatial information, amino acid conservation, physicochemical variation, residue mobility, and thermodynamic stability) indicates that this missense variant is expected to disrupt PHKA2 protein function with a positive predictive value of 80%. Algorithms developed to predict the effect of sequence changes on RNA splicing suggest that this variant may create or strengthen a splice site. In summary, the available evidence is currently insufficient to determine the role of this variant in disease. Therefore, it has been classified as a Variant of Uncertain Significance.